The following is an entry in ClinVar:

NM_005560.6(LAMA5):c.6206C>T (p.Pro2069Leu)

Gene: LAMA5 (laminin subunit alpha 5; minus strand). Cytogenetic location: 20q13.33.
Variant type: single nucleotide variant.
Coding change: c.6206C>T on transcript NM_005560.6 (MANE Select); coding-DNA position 6206, C replaced by T.
Protein change: p.Pro2069Leu; replaces proline 2069 with leucine.
Molecular consequence: missense variant.
Genome position (GRCh38, 1-based): chr20:62,322,409, G>A on the plus strand (C>T on the coding strand, the complement: LAMA5 is on the minus strand). VCF-style: chr20-62322409-G-A. GRCh37 (hg19) VCF-style: chr20-60897465-G-A.
Other names: short protein forms P2069L.
Identifiers: ClinVar variation 1013458 (VCV001013458.43), dbSNP rs201193135, ClinGen allele CA9941847.

ClinVar aggregate classification (germline): Conflicting classifications of pathogenicity. Review status: criteria provided, conflicting classifications (1 of 4 stars). 2 submissions from 2 submitters: Uncertain significance (1); Likely benign (1). Last evaluated 2025-10-09.

Allele frequency attached by ClinVar (database versions not stated): ExAC 0.00050; ESP Exome Variant Server 0.00071; TOPMed 0.00015; 1000 Genomes Project 30x 0.00016; 1000 Genomes Project 0.00020; gnomAD 0.00022 and 0.00024; gnomAD exomes 0.00024 and 0.00029.
gnomAD v4.1: 374 of 1,593,668 alleles (0.023%); highest among the groups gnomAD compares: Non-Finnish European, 0.028%; no homozygotes.

Submissions (2):

Labcorp Genetics (formerly Invitae), Labcorp
Classification: Likely benign. Last evaluated: 2025-10-09. Review status: criteria provided, single submitter. Criteria: Invitae Variant Classification Sherloc (09022015). Collection method: clinical testing. Allele origin: germline.

CeGaT Center for Human Genetics Tuebingen
Classification: Uncertain significance. Last evaluated: 2025-01-01. Review status: criteria provided, single submitter. Criteria: CeGaT Center For Human Genetics Tuebingen Variant Classification Criteria Version 2. Collection method: clinical testing. Allele origin: germline. Affected: yes. Observed: 2 variant alleles.
Comment: LAMA5: PM2, BP4